The following is an entry in ClinVar:

ClinVar aggregate classification (germline): Uncertain significance (1 of 4 stars; one submission).

Conditions:
Cardiovascular phenotype. Identifiers: MedGen CN230736.

Submission:

Ambry Genetics
Classification: Uncertain significance for Cardiovascular phenotype. Last evaluated: 2025-11-13. Review status: criteria provided, single submitter. Criteria: Ambry Variant Classification Scheme 2023. Collection method: clinical testing. Allele origin: germline.
Comment: The c.7978+2dupC intronic variant is located 2 nucleotides after coding exon 32 in the TTN gene. This variant results from a duplication of one nucleotide at position c.7978+2. This variant does not change the sequence of the canonical donor at this splice site. This exon is located in the I-band region of the N2-B isoform of the titin protein and is constitutively expressed in TTN transcripts (percent spliced in or PSI 100%). This nucleotide position is highly conserved in available vertebrate species. In silico splice site analysis predicts that this alteration will weaken the native splice donor site and may result in the creation or strengthening of a novel splice donor site. However, although direct evidence is unavailable, this alteration is predicted to result in an in-frame transcript that is not expected to trigger nonsense-mediated mRNA decay. The exact functional effect of the predicted splice impact is unknown. Based on the available evidence, the clinical significance of this variant remains unclear.

NM_001267550.2(TTN):c.8116+2dup

Gene: TTN (titin; minus strand). Cytogenetic location: 2q31.2.
Variant type: Duplication.
Coding change: c.8116+2dup on transcript NM_001267550.2 (MANE Select); the canonical splice donor site of the intron after coding-DNA position 8116, one base duplicated (C; older notation c.8116+2dupC).
Molecular consequence: splice donor variant.
Genome position (GRCh38, 1-based): chr2:178,771,209, G duplicated on the plus strand (C on the coding strand, the reverse complement: TTN is on the minus strand). VCF-style (leftmost placement, unchanged base first): chr2-178771208-T-TG. GRCh37 (hg19) VCF-style: chr2-179635935-T-TG.
Other names: c.7978+2dupC (NM_003319.4); c.7978+2dup (NM_003319.4, NM_133437.4, NM_133432.3); c.8116+2dup (NM_133378.4, NM_001256850.1, NM_133379.5).
Identifiers: ClinVar variation 4615360 (VCV004615360.1).
Genomic context (GRCh38, chr2:178,771,208, plus strand): 5'-TTTAAAACGATAACGATCAAGATTGTAATATGATTTGAAAAGGACAAATCCTATGTTACT[T>TG]GCCTTCAACTTTGAGTTTGGCAGATGTTTTGGAGGTGGCCACCTTGTAGGTATATTCTCC-3'